The following is an entry in ClinVar:

ClinVar aggregate classification (germline): Pathogenic (1 of 4 stars; one submission).

Conditions:
Charcot-Marie-Tooth disease type 4. Also called: Charcot-Marie-Tooth disease, type IV; Charcot-Marie-Tooth, Type 4. Identifiers: Orphanet 64749, MedGen C4082197, MONDO:0018995.

Allele frequency attached by ClinVar (database versions not stated): gnomAD exomes below 0.00001.
gnomAD v4.1: 1 of 1,614,094 alleles (0.000062%); highest among the groups gnomAD compares: Non-Finnish European, 0.000085%; no homozygotes.

Submission:

Labcorp Genetics (formerly Invitae), Labcorp
Classification: Pathogenic for Charcot-Marie-Tooth disease type 4. Last evaluated: 2019-07-24. Review status: criteria provided, single submitter. Criteria: Invitae Variant Classification Sherloc (09022015). Collection method: clinical testing. Allele origin: germline.
Comment: This variant has not been reported in the literature in individuals with SBF2-related conditions. ClinVar contains an entry for this variant (Variation ID: 574771). This variant is not present in population databases (ExAC no frequency). This sequence change creates a premature translational stop signal (p.Gln651*) in the SBF2 gene. It is expected to result in an absent or disrupted protein product. Loss-of-function variants in SBF2 are known to be pathogenic (PMID: 12687498, 25873783). For these reasons, this variant has been classified as Pathogenic.

Literature cited by the submitters: PubMed 12687498; PubMed 25873783.

NM_030962.4(SBF2):c.1951C>T (p.Gln651Ter)

Genes: SBF2 (SET binding factor 2; minus strand), LOC101928008 (uncharacterized LOC101928008; plus strand). Cytogenetic location: 11p15.4.
Variant type: single nucleotide variant.
Coding change: c.1951C>T on transcript NM_030962.4 (MANE Select); coding-DNA position 1951, C replaced by T.
Protein change: p.Gln651Ter; replaces glutamine 651 with a stop codon.
Molecular consequence: nonsense.
Genome position (GRCh38, 1-based): chr11:9,858,375, G>A on the plus strand (C>T on the coding strand, the complement: SBF2 is on the minus strand). VCF-style: chr11-9858375-G-A. GRCh37 (hg19) VCF-style: chr11-9879922-G-A.
Other names: c.1951C>T, p.Gln651Ter (NM_001386339.1); c.1822C>T, p.Gln608Ter (NM_001386342.1); short protein forms Q651*, Q608*.
Identifiers: ClinVar variation 574771 (VCV000574771.9), dbSNP rs1564923441, ClinGen allele CA379642484.